The following is an entry in ClinVar:

ClinVar aggregate classification (germline): Uncertain significance. Review status: criteria provided, multiple submitters, no conflicts (2 of 4 stars). 2 submissions from 2 submitters: Uncertain significance (2). Last evaluated 2025-06-12.

Conditions:
Charcot-Marie-Tooth disease axonal type 2O. Also called: CHARCOT-MARIE-TOOTH NEUROPATHY, AXONAL, TYPE 2O; CHARCOT-MARIE-TOOTH DISEASE, AXONAL, AUTOSOMAL DOMINANT, TYPE 2O; Charcot-Marie-Tooth Neuropathy Type 2O; Charcot-Marie-Tooth disease, axonal, type 20. Identifiers: Orphanet 284232, MedGen C3280220, MONDO:0013644, OMIM 614228.

Allele frequency attached by ClinVar (database versions not stated): ExAC 0.00001.
gnomAD v4.1: 5 of 1,614,038 alleles (0.00031%); highest among the groups gnomAD compares: African/African-American, 0.004%; no homozygotes.

Submissions (2):

Dasa
Classification: Uncertain significance. Last evaluated: 2025-06-12. Review status: criteria provided, single submitter. Criteria: DASA Assertion Criteria. Collection method: clinical testing. Allele origin: germline.
Comment: NM_001376.5(DYNC1H1):c.9109G>A (p.Ala3037Thr) is a missense variant that results in the substitution of alanine with threonine. This variant is rare in population databases. Computational prediction algorithms are consistent with a benign effect. The currently available literature and clinical evidence are not sufficient to establish a definitive association between this variant and the reported condition. Therefore, this variant is classified as a variant of uncertain significance.

Labcorp Genetics (formerly Invitae), Labcorp
Classification: Uncertain significance for Charcot-Marie-Tooth disease axonal type 2O. Last evaluated: 2024-08-24. Review status: criteria provided, single submitter. Criteria: Invitae Variant Classification Sherloc (09022015). Collection method: clinical testing. Allele origin: germline.
Comment: This sequence change replaces alanine, which is neutral and non-polar, with threonine, which is neutral and polar, at codon 3037 of the DYNC1H1 protein (p.Ala3037Thr). This variant is present in population databases (rs769817685, gnomAD 0.007%). This variant has not been reported in the literature in individuals affected with DYNC1H1-related conditions. Invitae Evidence Modeling of protein sequence and biophysical properties (such as structural, functional, and spatial information, amino acid conservation, physicochemical variation, residue mobility, and thermodynamic stability) has been performed for this missense variant. However, the output from this modeling did not meet the statistical confidence thresholds required to predict the impact of this variant on DYNC1H1 protein function. In summary, the available evidence is currently insufficient to determine the role of this variant in disease. Therefore, it has been classified as a Variant of Uncertain Significance.

NM_001376.5(DYNC1H1):c.9109G>A (p.Ala3037Thr)

Genes: DYNC1H1 (dynein cytoplasmic 1 heavy chain 1; plus strand), LOC126862060 (BRD4-independent group 4 enhancer GRCh37_chr14:102493659-102494858; plus strand). Cytogenetic location: 14q32.31.
Variant type: single nucleotide variant.
Coding change: c.9109G>A on transcript NM_001376.5 (MANE Select); coding-DNA position 9109, G replaced by A.
Protein change: p.Ala3037Thr; replaces alanine 3037 with threonine.
Molecular consequence: missense variant.
Genome position (GRCh38, 1-based): chr14:102,027,679, G>A. VCF-style: chr14-102027679-G-A. GRCh37 (hg19) VCF-style: chr14-102494016-G-A.
Other names: short protein forms A3037T.
Identifiers: ClinVar variation 2726002 (VCV002726002.5), dbSNP rs769817685, ClinGen allele CA7353168.
Genomic context (GRCh38, chr14:102,027,679, plus strand): 5'-GTGCCTGGTCTCTTTGAAGGAGACGAGTATGCCACCTTGATGACGCAGTGCAAAGAGGGG[G>A]CACAGAAGGAAGGCCTGATGCTGGACTCGCACGAGGAGCTCTACAAGTGGTTCACTAGCC-3'
Protein context (NP_001367.2, residues 3027-3047): ATLMTQCKEG[Ala3037Thr]QKEGLMLDSH